The following is an entry in ClinVar:

ClinVar aggregate classification (germline): Uncertain significance (1 of 4 stars; one submission).

Conditions:
Inborn genetic diseases. Identifiers: MedGen C0950123, MeSH D030342.

Allele frequency attached by ClinVar (database versions not stated): gnomAD 0.00001; gnomAD exomes 0.00001; TOPMed 0.00001; ExAC 0.00002.

Submission:

Ambry Genetics
Classification: Uncertain significance for Inborn genetic diseases. Last evaluated: 2021-09-08. Review status: criteria provided, single submitter. Criteria: Ambry Variant Classification Scheme 2023. Collection method: clinical testing. Allele origin: germline.
Comment: The p.G217R variant (also known as c.649G>A), located in coding exon 4 of the PRDM12 gene, results from a G to A substitution at nucleotide position 649. The glycine at codon 217 is replaced by arginine, an amino acid with dissimilar properties. This amino acid position is highly conserved in available vertebrate species. In addition, the in silico prediction for this alteration is inconclusive. Since supporting evidence is limited at this time, the clinical significance of this alteration remains unclear.

NM_021619.3(PRDM12):c.649G>A (p.Gly217Arg)

Gene: PRDM12 (PR/SET domain 12; plus strand). Cytogenetic location: 9q34.12.
Variant type: single nucleotide variant.
Coding change: c.649G>A on transcript NM_021619.3 (MANE Select); coding-DNA position 649, G replaced by A.
Protein change: p.Gly217Arg; replaces glycine 217 with arginine.
Molecular consequence: missense variant.
Genome position (GRCh38, 1-based): chr9:130,678,607, G>A. VCF-style: chr9-130678607-G-A. GRCh37 (hg19) VCF-style: chr9-133553994-G-A.
Other names: short protein forms G217R.
Identifiers: ClinVar variation 1753872 (VCV001753872.2), dbSNP rs767429331, ClinGen allele CA5284614.